The following is an entry in ClinVar:

ClinVar aggregate classification (germline): Uncertain significance. Review status: criteria provided, multiple submitters, no conflicts (2 of 4 stars). 3 submissions from 3 submitters: Uncertain significance (3). Last evaluated 2024-04-22.

Conditions:
Orofaciodigital syndrome type 6 (OFD6). Also called: OROFACIODIGITAL SYNDROME VI; OFDS VI; Oral-facial-digital syndrome type 6; Central polydactyly cleft lip/palate or lingual lump and psychomotor retardation; Y-shaped central metacarpal and cerebellar defect; Joubert syndrome with orofacialdigital anomalies. Identifiers: Orphanet 2754, MedGen C2745997, MONDO:0010176, OMIM 277170.
Joubert syndrome 17 (JBTS17). Identifiers: Orphanet 475, MedGen C3553264, MONDO:0013824, OMIM 614615.
Inborn genetic diseases. Identifiers: MedGen C0950123, MeSH D030342.

Allele frequency attached by ClinVar (database versions not stated): gnomAD exomes below 0.00001; TOPMed 0.00003.
gnomAD v4.1: 7 of 1,609,176 alleles (0.00044%); highest among the groups gnomAD compares: Non-Finnish European, 0.00051%; no homozygotes.

Submissions (3):

Fulgent Genetics
Classification: Uncertain significance for Orofaciodigital syndrome type 6; Joubert syndrome 17. Last evaluated: 2024-04-22. Review status: criteria provided, single submitter. Criteria: ACMG Guidelines, 2015. Collection method: clinical testing. Allele origin: germline.

Labcorp Genetics (formerly Invitae), Labcorp
Classification: Uncertain significance. Last evaluated: 2022-08-22. Review status: criteria provided, single submitter. Criteria: Invitae Variant Classification Sherloc (09022015). Collection method: clinical testing. Allele origin: germline.
Comment: In summary, the available evidence is currently insufficient to determine the role of this variant in disease. Therefore, it has been classified as a Variant of Uncertain Significance. Advanced modeling of protein sequence and biophysical properties (such as structural, functional, and spatial information, amino acid conservation, physicochemical variation, residue mobility, and thermodynamic stability) performed at Invitae indicates that this missense variant is not expected to disrupt CPLANE1 protein function. ClinVar contains an entry for this variant (Variation ID: 1497219). This variant has not been reported in the literature in individuals affected with CPLANE1-related conditions. This variant is not present in population databases (gnomAD no frequency). This sequence change replaces glutamic acid, which is acidic and polar, with lysine, which is basic and polar, at codon 1970 of the CPLANE1 protein (p.Glu1970Lys).

Ambry Genetics
Classification: Uncertain significance for Inborn genetic diseases. Last evaluated: 2021-08-02. Review status: criteria provided, single submitter. Criteria: Ambry Variant Classification Scheme 2023. Collection method: clinical testing. Allele origin: germline.

NM_001384732.1(CPLANE1):c.5908G>A (p.Glu1970Lys)

Gene: CPLANE1 (ciliogenesis and planar polarity effector complex subunit 1; minus strand). Cytogenetic location: 5p13.2.
Variant type: single nucleotide variant.
Coding change: c.5908G>A on transcript NM_001384732.1 (MANE Select); coding-DNA position 5908, G replaced by A.
Protein change: p.Glu1970Lys; replaces glutamic acid 1970 with lysine.
Molecular consequence: missense variant.
Genome position (GRCh38, 1-based): chr5:37,175,979, C>T on the plus strand (G>A on the coding strand, the complement: CPLANE1 is on the minus strand). VCF-style: chr5-37175979-C-T. GRCh37 (hg19) VCF-style: chr5-37176081-C-T.
Other names: c.5908G>A, p.Glu1970Lys (NM_023073.4); c.5908G>A (NM_023073.3); short protein forms E1970K.
Identifiers: ClinVar variation 1497219 (VCV001497219.9), dbSNP rs1391071475, ClinGen allele CA359486735.